The following is an entry in ClinVar:

NM_000540.3(RYR1):c.7160C>A (p.Ser2387Tyr)

Gene: RYR1 (ryanodine receptor 1; plus strand). Cytogenetic location: 19q13.2.
Variant type: single nucleotide variant.
Coding change: c.7160C>A on transcript NM_000540.3 (MANE Select); coding-DNA position 7160, C replaced by A.
Protein change: p.Ser2387Tyr; replaces serine 2387 with tyrosine.
Molecular consequence: missense variant.
Genome position (GRCh38, 1-based): chr19:38,499,767, C>A. VCF-style: chr19-38499767-C-A. GRCh37 (hg19) VCF-style: chr19-38990407-C-A.
Other names: c.7160C>A, p.Ser2387Tyr (NM_001042723.2); short protein forms S2387Y.
Identifiers: ClinVar variation 5028624 (VCV005028624.1).

ClinVar aggregate classification (germline): Uncertain significance (1 of 4 stars; one submission).

Conditions:
Inborn genetic diseases. Identifiers: MedGen C0950123, MeSH D030342.

Submission:

Ambry Genetics
Classification: Uncertain significance for Inborn genetic diseases. Last evaluated: 2026-07-06. Review status: criteria provided, single submitter. Criteria: Ambry Variant Classification Scheme 2023. Collection method: clinical testing. Allele origin: germline.
Comment: The p.S2387Y variant (also known as c.7160C>A), located in coding exon 44 of the RYR1 gene, results from a C to A substitution at nucleotide position 7160. The serine at codon 2387 is replaced by tyrosine, an amino acid with dissimilar properties. This amino acid position is conserved. In addition, this alteration is predicted to be deleterious by in silico analysis. Based on the available evidence, the clinical significance of this variant remains unclear.